The following is an entry in ClinVar:

ClinVar aggregate classification (germline): Uncertain significance (1 of 4 stars; one submission).

Submission:

GeneDx
Classification: Uncertain significance. Last evaluated: 2024-03-21. Review status: criteria provided, single submitter. Criteria: GeneDx Variant Classification Process June 2021. Collection method: clinical testing. Allele origin: germline. Affected: yes.
Comment: Not observed at significant frequency in large population cohorts (gnomAD); In silico analysis supports that this missense variant does not alter protein structure/function; Has not been previously published as pathogenic or benign to our knowledge

NM_020754.4(ARHGAP31):c.1355G>T (p.Gly452Val)

Gene: ARHGAP31 (Rho GTPase activating protein 31; plus strand). Cytogenetic location: 3q13.33.
Variant type: single nucleotide variant.
Coding change: c.1355G>T on transcript NM_020754.4 (MANE Select); coding-DNA position 1355, G replaced by T.
Protein change: p.Gly452Val; replaces glycine 452 with valine.
Molecular consequence: missense variant.
Genome position (GRCh38, 1-based): chr3:119,402,107, G>T. VCF-style: chr3-119402107-G-T. GRCh37 (hg19) VCF-style: chr3-119120954-G-T.
Other names: short protein forms G452V.
Identifiers: ClinVar variation 3371247 (VCV003371247.1).